The following is an entry in ClinVar:

ClinVar aggregate classification (germline): Benign (1 of 4 stars; one submission).

Allele frequency attached by ClinVar (database versions not stated): gnomAD exomes 0.16267; ExAC 0.35211.

Submission:

Laboratory for Molecular Medicine, Mass General Brigham Personalized Medicine
Classification: Benign. Last evaluated: 2016-03-29. Review status: criteria provided, single submitter. Criteria: LMM Criteria. Collection method: clinical testing. Allele origin: germline.
Comment: Variant identified in a genome or exome case(s) and assessed due to predicted null impact of the variant or pathogenic assertions in the literature or databases. Disclaimer: This variant has not undergone full assessment. The following are preliminary notes: Frequency

NM_019121.2(PPP1R37):c.1767T>C (p.Pro589=)

Gene: PPP1R37 (protein phosphatase 1 regulatory subunit 37; plus strand). Cytogenetic location: 19q13.32.
Variant type: single nucleotide variant.
Coding change: c.1767T>C on transcript NM_019121.2 (MANE Select); coding-DNA position 1767, T replaced by C.
Protein change: p.Pro589=; no amino-acid change (proline 589 retained).
Molecular consequence: synonymous variant.
Genome position (GRCh38, 1-based): chr19:45,145,823, T>C. VCF-style: chr19-45145823-T-C. GRCh37 (hg19) VCF-style: chr19-45649081-T-C.
Identifiers: ClinVar variation 403337 (VCV000403337.4), dbSNP rs765288398, ClinGen allele CA9509424.
Genomic context (GRCh38, chr19:45,145,823, plus strand): 5'-TGTGGTGACCCGGGTGGAGAGCCCGCCCGAGAGGGCAGAGCCCCCTGCGTCCCCCACCCC[T>C]CCCTCTCCCCCACCCCCTCCCTCCCCACCCGCCTCACCTTCCCTACCACCAGCCGGGGCC-3'
Protein context (NP_061994.1, residues 579-599): ERAEPPASPT[Pro589=]PSPPPPPSPP